The following is an entry in ClinVar:

ClinVar aggregate classification (germline): Uncertain significance (1 of 4 stars; one submission).

Conditions:
Dilated cardiomyopathy 1G (CMD1G). Identifiers: Orphanet 154, MedGen C1858763, MONDO:0011400, OMIM 604145.
Autosomal recessive limb-girdle muscular dystrophy type 2J (LGMDR10). Also called: Limb-girdle muscular dystrophy, type 2J; MUSCULAR DYSTROPHY, LIMB-GIRDLE, AUTOSOMAL RECESSIVE 10. Identifiers: Orphanet 140922, MedGen C1837342, MONDO:0012127, OMIM 608807.

Allele frequency attached by ClinVar (database versions not stated): gnomAD exomes below 0.00001; TOPMed below 0.00001; ESP Exome Variant Server 0.00008.

Submission:

Labcorp Genetics (formerly Invitae), Labcorp
Classification: Uncertain significance for Dilated cardiomyopathy 1G; Autosomal recessive limb-girdle muscular dystrophy type 2J. Last evaluated: 2023-11-08. Review status: criteria provided, single submitter. Criteria: Invitae Variant Classification Sherloc (09022015). Collection method: clinical testing. Allele origin: germline.
Comment: This sequence change falls in intron 344 of the TTN gene. It does not directly change the encoded amino acid sequence of the TTN protein. It affects a nucleotide within the consensus splice site. This variant is not present in population databases (gnomAD no frequency). This variant has not been reported in the literature in individuals affected with TTN-related conditions. Variants that disrupt the consensus splice site are a relatively common cause of aberrant splicing (PMID: 17576681, 9536098). Algorithms developed to predict the effect of sequence changes on RNA splicing suggest that this variant may disrupt the consensus splice site. This variant is located in the A band of TTN (PMID: 25589632). Variants in this region may be relevant for cardiac or neuromuscular disorders (PMID: 25589632, 23975875). In summary, the available evidence is currently insufficient to determine the role of this variant in disease. Therefore, it has been classified as a Variant of Uncertain Significance.

Literature cited by the submitters: PubMed 17576681; PubMed 9536098; PubMed 25589632; PubMed 23975875.

NM_001267550.2(TTN):c.95722+3G>T

Genes: TTN (titin; minus strand), TTN-AS1 (TTN antisense RNA 1; plus strand). Cytogenetic location: 2q31.2.
Variant type: single nucleotide variant.
Coding change: c.95722+3G>T on transcript NM_001267550.2 (MANE Select); 3 bases into the intron after coding-DNA position 95722, G replaced by T.
Molecular consequence: intron variant.
Genome position (GRCh38, 1-based): chr2:178,545,385, C>A on the plus strand (G>T on the coding strand, the complement: TTN is on the minus strand). VCF-style: chr2-178545385-C-A. GRCh37 (hg19) VCF-style: chr2-179410112-C-A.
Other names: c.68527+3G>T (NM_003319.4); c.69103+3G>T (NM_133437.4); c.68902+3G>T (NM_133432.3); c.88018+3G>T (NM_133378.4); c.90799+3G>T (NM_001256850.1).
Identifiers: ClinVar variation 2944690 (VCV002944690.3), dbSNP rs377657268, ClinGen allele CA60971029.